The following is an entry in ClinVar:

ClinVar aggregate classification (germline): Uncertain significance (1 of 4 stars; one submission).

gnomAD v4.1: 2 of 1,612,670 alleles (0.00012%); highest among the groups gnomAD compares: Non-Finnish European, 0.00017%; no homozygotes.

Submission:

Ambry Genetics
Classification: Uncertain significance. Last evaluated: 2022-11-19. Review status: criteria provided, single submitter. Criteria: Ambry Variant Classification Scheme 2023. Collection method: clinical testing. Allele origin: germline.
Comment: The p.M941V variant (also known as c.2821A>G), located in coding exon 25 of the PRKDC gene, results from an A to G substitution at nucleotide position 2821. The methionine at codon 941 is replaced by valine, an amino acid with highly similar properties. This amino acid position is conserved. In addition, the in silico prediction for this alteration is inconclusive. Since supporting evidence is limited at this time, the clinical significance of this alteration remains unclear.

NM_006904.7(PRKDC):c.2821A>G (p.Met941Val)

Gene: PRKDC (protein kinase, DNA-activated, catalytic subunit; minus strand). Cytogenetic location: 8q11.21.
Variant type: single nucleotide variant.
Coding change: c.2821A>G on transcript NM_006904.7 (MANE Select); coding-DNA position 2821, A replaced by G.
Protein change: p.Met941Val; replaces methionine 941 with valine.
Molecular consequence: missense variant.
Genome position (GRCh38, 1-based): chr8:47,912,523, T>C on the plus strand (A>G on the coding strand, the complement: PRKDC is on the minus strand). VCF-style: chr8-47912523-T-C. GRCh37 (hg19) VCF-style: chr8-48825083-T-C.
Other names: c.2821A>G, p.Met941Val (NM_001081640.2); short protein forms M941V.
Identifiers: ClinVar variation 2497362 (VCV002497362.2), dbSNP rs531235991, ClinGen allele CA176159974.
Genomic context (GRCh38, chr8:47,912,523, plus strand): 5'-GCTGGTACATGGGTGGGGCTCCCTGTCCCCCTTCTGGCATCTGCGTGGCTTTGCCCAACA[T>C]AAACATAACCATGCTATGTAAAAGTTCACAGGCTGCAACCTAAAACAGACCAGGAGGTCA-3'
Protein context (NP_008835.5, residues 931-951): CELLHSMVMF[Met941Val]LGKATQMPEG